The following is an entry in ClinVar:

NM_006734.4(HIVEP2):c.853_854del (p.Ser285fs)

Gene: HIVEP2 (HIVEP zinc finger 2; minus strand). Cytogenetic location: 6q24.2.
Variant type: Microsatellite.
Coding change: c.853_854del on transcript NM_006734.4 (MANE Select); coding-DNA positions 853 to 854, 2 bases deleted (AG; older notation c.853_854delAG).
Protein change: p.Ser285fs; shifts the reading frame from serine 285.
Molecular consequence: frameshift variant.
Genome position (GRCh38, 1-based): chr6:142,773,885-142,773,886, CT deleted on the plus strand (AG on the coding strand, the reverse complement: HIVEP2 is on the minus strand); deleting any 2 consecutive bases within chr6:142,773,885-142,773,889 gives the same sequence; the c. name uses the placement nearest the transcript's 3' end. VCF-style (leftmost placement, unchanged base first): chr6-142773884-ACT-A. GRCh37 (hg19) VCF-style: chr6-143095021-ACT-A.
Other names: short protein forms S285fs.
Identifiers: ClinVar variation 3058624 (VCV003058624.2), dbSNP rs2482853697, ClinGen allele CA2740091506.

ClinVar aggregate classification (germline): Uncertain significance (0 of 4 stars; one submission).

Conditions:
HIVEP2-related disorder. Also called: HIVEP2-related condition.

Submission:

PreventionGenetics, part of Exact Sciences
Classification: Uncertain significance for HIVEP2-related condition. Last evaluated: 2024-01-09. Review status: no assertion criteria provided. Collection method: clinical testing. Allele origin: germline.
Comment: The HIVEP2 c.853_854delAG variant is predicted to result in a frameshift and premature protein termination (p.Ser285Phefs*8). To our knowledge, this variant has not been reported in the literature or in a large population database, indicating this variant is rare. Although we suspect that this variant may be pathogenic, at this time, the clinical significance of this variant is uncertain due to the absence of conclusive functional and genetic evidence.